The following is an entry in ClinVar:

ClinVar aggregate classification (germline): Uncertain significance (1 of 4 stars; one submission).

Submission:

Quest Diagnostics Nichols Institute San Juan Capistrano
Classification: Uncertain significance. Last evaluated: 2023-04-26. Review status: criteria provided, single submitter. Criteria: Quest Diagnostics criteria. Collection method: clinical testing. Allele origin: unknown.
Comment: This variant has not been reported in the published literature. It also has not been reported in large, multi-ethnic general populations. Based on the available information, we are unable to determine the clinical significance of this variant.

NM_007294.4(BRCA1):c.917_997del (p.Asn306_Arg332del)

Gene: BRCA1 (BRCA1 DNA repair associated; minus strand). Cytogenetic location: 17q21.31.
Variant type: Deletion.
Coding change: c.917_997del on transcript NM_007294.4 (MANE Select); coding-DNA positions 917 to 997, 81 bases deleted.
Protein change: p.Asn306_Arg332del.
Molecular consequence: inframe deletion. On other transcripts: inframe indel (1), intron variant (137).
Genome position (GRCh38, 1-based): chr17:43,094,534-43,094,614, 81 bases deleted. GRCh37 (hg19): chr17:41,246,552-41,246,632.
Other names: c.914_994del, p.Asn305_Arg331del (NM_001407629.1, NM_001407630.1, NM_001407631.1 and 22 more transcripts); c.917_997del, p.Asn306_Arg332del (NM_001407639.1, NM_001407640.1, NM_001407641.1 and 30 more transcripts); c.908_988del, p.Asn303_Arg329del (NM_001407646.1, NM_001407647.1); c.794_874del, p.Asn265_Arg291del (NM_001407648.1, NM_001407664.1, NM_001407665.1 and 19 more transcripts); c.791_871del, p.Asn264_Arg290del (NM_001407649.1, NM_001407670.1, NM_001407671.1 and 11 more transcripts); c.839_919del, p.Asn280_Arg306del (NM_001407653.1, NM_001407654.1, NM_001407655.1 and 4 more transcripts); c.836_916del, p.Asn279_Arg305del (NM_001407659.1, NM_001407660.1, NM_001407661.1 and 1 more transcripts); c.776_856del, p.Asn259_Arg285del (NM_001407692.1, NM_001407694.1, NM_001407695.1 and 29 more transcripts); and 41 more.
Identifiers: ClinVar variation 2681817 (VCV002681817.1), dbSNP rs2552225437, ClinGen allele CA2697554276.